The following is an entry in ClinVar:

NM_000400.4(ERCC2):c.881A>C (p.Glu294Ala)

Gene: ERCC2 (ERCC excision repair 2, TFIIH core complex helicase subunit; minus strand). Cytogenetic location: 19q13.32.
Variant type: single nucleotide variant.
Coding change: c.881A>C on transcript NM_000400.4 (MANE Select); coding-DNA position 881, A replaced by C.
Protein change: p.Glu294Ala; replaces glutamic acid 294 with alanine.
Molecular consequence: missense variant.
Genome position (GRCh38, 1-based): chr19:45,364,054, T>G on the plus strand (A>C on the coding strand, the complement: ERCC2 is on the minus strand). VCF-style: chr19-45364054-T-G. GRCh37 (hg19) VCF-style: chr19-45867312-T-G.
Other names: c.809A>C, p.Glu270Ala (NM_001130867.2); short protein forms E294A, E270A.
Identifiers: ClinVar variation 1764768 (VCV001764768.2), dbSNP rs2123288125, ClinGen allele CA406373574.

ClinVar aggregate classification (germline): Uncertain significance (1 of 4 stars; one submission).

Conditions:
Inborn genetic diseases. Identifiers: MedGen C0950123, MeSH D030342.

Submission:

Ambry Genetics
Classification: Uncertain significance for Inborn genetic diseases. Last evaluated: 2022-07-11. Review status: criteria provided, single submitter. Criteria: Ambry Variant Classification Scheme 2023. Collection method: clinical testing. Allele origin: germline.
Comment: The p.E294A variant (also known as c.881A>C), located in coding exon 10 of the ERCC2 gene, results from an A to C substitution at nucleotide position 881. The glutamic acid at codon 294 is replaced by alanine, an amino acid with dissimilar properties. This amino acid position is conserved. In addition, the in silico prediction for this alteration is inconclusive. Since supporting evidence is limited at this time, the clinical significance of this alteration remains unclear.